The following is an entry in ClinVar:

ClinVar aggregate classification (germline): Conflicting classifications of pathogenicity. Review status: criteria provided, conflicting classifications (1 of 4 stars). 3 submissions from 3 submitters: Uncertain significance (1); Benign (1); Likely benign (1). Last evaluated 2025-09-30.

Conditions:
Hereditary cancer-predisposing syndrome. Also called: Neoplastic Syndromes, Hereditary; Tumor predisposition; Hereditary Cancer Syndrome; Hereditary neoplastic syndrome. Identifiers: Orphanet 140162, MedGen C0027672, MeSH D009386, MONDO:0015356.
Fanconi anemia complementation group O. Also called: RAD51C-Related Fanconi Anemia. Identifiers: Orphanet 84, MedGen C3150653, MONDO:0013248, OMIM 613390.

Allele frequency attached by ClinVar (database versions not stated): gnomAD 0.00001; gnomAD exomes 0.00001; TOPMed 0.00001.
gnomAD v4.1: 4 of 1,613,554 alleles (0.00025%); highest among the groups gnomAD compares: Non-Finnish European, 0.00034%; no homozygotes.

Submissions (3):

Ambry Genetics
Classification: Benign for Hereditary cancer-predisposing syndrome. Last evaluated: 2025-09-30. Review status: criteria provided, single submitter. Criteria: Ambry Variant Classification Scheme 2023. Collection method: clinical testing. Allele origin: germline.

Color Diagnostics, LLC DBA Color Health
Classification: Likely benign for Hereditary cancer-predisposing syndrome. Last evaluated: 2024-09-19. Review status: criteria provided, single submitter. Criteria: ACMG Guidelines, 2015. Collection method: clinical testing. Allele origin: germline.

Labcorp Genetics (formerly Invitae), Labcorp
Classification: Uncertain significance for Fanconi anemia complementation group O. Last evaluated: 2023-04-08. Review status: criteria provided, single submitter. Criteria: Invitae Variant Classification Sherloc (09022015). Collection method: clinical testing. Allele origin: germline.
Comment: In summary, the available evidence is currently insufficient to determine the role of this variant in disease. Therefore, it has been classified as a Variant of Uncertain Significance. Algorithms developed to predict the effect of missense changes on protein structure and function output the following: SIFT: "Not Available"; PolyPhen-2: "Benign"; Align-GVGD: "Not Available". The tyrosine amino acid residue is found in multiple mammalian species, which suggests that this missense change does not adversely affect protein function. ClinVar contains an entry for this variant (Variation ID: 538774). This variant has not been reported in the literature in individuals affected with RAD51C-related conditions. This variant is not present in population databases (gnomAD no frequency). This sequence change replaces cysteine, which is neutral and slightly polar, with tyrosine, which is neutral and polar, at codon 355 of the RAD51C protein (p.Cys355Tyr).

NM_058216.3(RAD51C):c.1064G>A (p.Cys355Tyr)

Gene: RAD51C (RAD51 paralog C; plus strand). Cytogenetic location: 17q22.
Variant type: single nucleotide variant.
Coding change: c.1064G>A on transcript NM_058216.3 (MANE Select); coding-DNA position 1064, G replaced by A.
Protein change: p.Cys355Tyr; replaces cysteine 355 with tyrosine.
Molecular consequence: missense variant. On other transcripts: non-coding transcript variant (1).
Genome position (GRCh38, 1-based): chr17:58,734,155, G>A. VCF-style: chr17-58734155-G-A. GRCh37 (hg19) VCF-style: chr17-56811516-G-A.
Other names: short protein forms C355Y.
Identifiers: ClinVar variation 538774 (VCV000538774.18), dbSNP rs1555605562, ClinGen allele CA400366155.